The following is an entry in ClinVar:

NM_000421.5(KRT10):c.1601G>T (p.Ser534Ile)

Gene: KRT10 (keratin 10; minus strand). Cytogenetic location: 17q21.2.
Variant type: single nucleotide variant.
Coding change: c.1601G>T on transcript NM_000421.5 (MANE Select); coding-DNA position 1601, G replaced by T.
Protein change: p.Ser534Ile; replaces serine 534 with isoleucine.
Molecular consequence: missense variant.
Genome position (GRCh38, 1-based): chr17:40,818,934, C>A on the plus strand (G>T on the coding strand, the complement: KRT10 is on the minus strand). VCF-style: chr17-40818934-C-A. GRCh37 (hg19) VCF-style: chr17-38975186-C-A.
Other names: c.1601G>T (NM_000421.3); c.1601G>T, p.Ser534Ile (NM_001379366.1); short protein forms S534I.
Identifiers: ClinVar variation 3711048 (VCV003711048.2).

ClinVar aggregate classification (germline): Uncertain significance. Review status: criteria provided, multiple submitters, no conflicts (2 of 4 stars). 2 submissions from 2 submitters: Uncertain significance (2). Last evaluated 2025-09-09.

Conditions:
Inborn genetic diseases. Identifiers: MedGen C0950123, MeSH D030342.

gnomAD v4.1: 73 of 1,377,552 alleles (0.0053%); highest among the groups gnomAD compares: African/African-American, 0.11%; 1 homozygote.

Submissions (2):

Ambry Genetics
Classification: Uncertain significance for Inborn genetic diseases. Last evaluated: 2025-09-09. Review status: criteria provided, single submitter. Criteria: Ambry Variant Classification Scheme 2023. Collection method: clinical testing. Allele origin: germline.

Labcorp Genetics (formerly Invitae), Labcorp
Classification: Uncertain significance. Last evaluated: 2024-10-28. Review status: criteria provided, single submitter. Criteria: Invitae Variant Classification Sherloc (09022015). Collection method: clinical testing. Allele origin: germline.
Comment: This sequence change replaces serine, which is neutral and polar, with isoleucine, which is neutral and non-polar, at codon 534 of the KRT10 protein (p.Ser534Ile). This variant is present in population databases (rs548605061, gnomAD 0.09%). This variant has not been reported in the literature in individuals affected with KRT10-related conditions. Invitae Evidence Modeling of protein sequence and biophysical properties (such as structural, functional, and spatial information, amino acid conservation, physicochemical variation, residue mobility, and thermodynamic stability) indicates that this missense variant is not expected to disrupt KRT10 protein function with a negative predictive value of 80%. In summary, the available evidence is currently insufficient to determine the role of this variant in disease. Therefore, it has been classified as a Variant of Uncertain Significance.